The following is an entry in ClinVar:

NM_001363118.2(SLC52A2):c.608T>C (p.Leu203Pro)

Gene: SLC52A2 (solute carrier family 52 member 2; plus strand). Cytogenetic location: 8q24.3.
Variant type: single nucleotide variant.
Coding change: c.608T>C on transcript NM_001363118.2 (MANE Select); coding-DNA position 608, T replaced by C.
Protein change: p.Leu203Pro; replaces leucine 203 with proline.
Molecular consequence: missense variant. On other transcripts: non-coding transcript variant (1), intron variant (1).
Genome position (GRCh38, 1-based): chr8:144,360,100, T>C. VCF-style: chr8-144360100-T-C. GRCh37 (hg19) VCF-style: chr8-145583760-T-C.
Other names: c.608T>C, p.Leu203Pro (NM_001253815.2, NM_001253816.2, NM_001363120.2 and 2 more transcripts); c.344T>C, p.Leu115Pro (NM_001410949.1); c.131-15T>C (NM_001363122.2); short protein forms L115P, L203P.
Identifiers: ClinVar variation 2037216 (VCV002037216.4), dbSNP rs1818752645, ClinGen allele CA372627502.

ClinVar aggregate classification (germline): Uncertain significance (1 of 4 stars; one submission).

Conditions:
Brown-Vialetto-van Laere syndrome 2. Also called: SPINOCEREBELLAR ATAXIA WITH BLINDNESS AND DEAFNESS 2; Riboflavin transporter deficiency type 2. Identifiers: Orphanet 572543, Orphanet 97229, MedGen C3553538, MONDO:0013867, OMIM 614707.

Allele frequency attached by ClinVar (database versions not stated): TOPMed below 0.00001; gnomAD 0.00001.

Submission:

Labcorp Genetics (formerly Invitae), Labcorp
Classification: Uncertain significance for Brown-Vialetto-van Laere syndrome 2. Last evaluated: 2023-09-19. Review status: criteria provided, single submitter. Criteria: Invitae Variant Classification Sherloc (09022015). Collection method: clinical testing. Allele origin: germline.
Comment: This sequence change replaces leucine, which is neutral and non-polar, with proline, which is neutral and non-polar, at codon 203 of the SLC52A2 protein (p.Leu203Pro). In summary, the available evidence is currently insufficient to determine the role of this variant in disease. Therefore, it has been classified as a Variant of Uncertain Significance. Advanced modeling of protein sequence and biophysical properties (such as structural, functional, and spatial information, amino acid conservation, physicochemical variation, residue mobility, and thermodynamic stability) performed at Invitae indicates that this missense variant is expected to disrupt SLC52A2 protein function. ClinVar contains an entry for this variant (Variation ID: 2037216). This variant has not been reported in the literature in individuals affected with SLC52A2-related conditions. This variant is not present in population databases (gnomAD no frequency).